The following is an entry in ClinVar:

ClinVar aggregate classification (germline): Benign. Review status: criteria provided, multiple submitters, no conflicts (2 of 4 stars). 4 submissions from 3 submitters: Benign (4). Last evaluated 2021-07-22.

Conditions:
Congenital myotonia, autosomal recessive form. Also called: BECKER DISEASE; Becker Generalized Myotonia; myotonia congenita, autosomal recessive. Identifiers: Orphanet 614, MedGen C0751360, MONDO:0009715, OMIM 255700.
Congenital myotonia, autosomal dominant form (THD). Also called: THOMSEN DISEASE; Myotonia congenita autosomal dominant. Identifiers: Orphanet 614, MedGen C2936781, MONDO:0008055, OMIM 160800.

Allele frequency attached by ClinVar (database versions not stated): gnomAD exomes 0.86382; gnomAD 0.88477 and 0.88632; 1000 Genomes Project 0.89197; TOPMed 0.89333.
gnomAD v4.1: 690,967 of 795,802 alleles (87%); highest among the groups gnomAD compares: African/African-American, 93%; 300,352 homozygotes.

Submissions (4):

Genome-Nilou Lab
Classification: Benign for Congenital myotonia, autosomal dominant form. Last evaluated: 2021-07-22. Review status: criteria provided, single submitter. Criteria: ACMG Guidelines, 2015. Collection method: clinical testing. Allele origin: germline. Affected: no.

Genome-Nilou Lab
Classification: Benign for Congenital myotonia, autosomal recessive form. Last evaluated: 2021-07-22. Review status: criteria provided, single submitter. Criteria: ACMG Guidelines, 2015. Collection method: clinical testing. Allele origin: germline. Affected: no.

GeneDx
Classification: Benign. Last evaluated: 2018-06-14. Review status: criteria provided, single submitter. Criteria: GeneDx Variant Classification (06012015). Collection method: clinical testing. Allele origin: germline. Affected: yes.
Comment: This variant is considered likely benign or benign based on one or more of the following criteria: it is a conservative change, it occurs at a poorly conserved position in the protein, it is predicted to be benign by multiple in silico algorithms, and/or has population frequency not consistent with disease.

Breakthrough Genomics
Classification: Benign. Review status: criteria provided, single submitter. Criteria: ACMG Guidelines, 2015. Collection method: not provided. Allele origin: germline. Inheritance: Autosomal recessive inheritance. Affected: yes.

NM_000083.3(CLCN1):c.1167-141G>T

Gene: CLCN1 (chloride voltage-gated channel 1; plus strand). Cytogenetic location: 7q34.
Variant type: single nucleotide variant.
Coding change: c.1167-141G>T on transcript NM_000083.3 (MANE Select); 141 bases into the intron before coding-DNA position 1167, G replaced by T.
Molecular consequence: intron variant.
Genome position (GRCh38, 1-based): chr7:143,332,278, G>T. VCF-style: chr7-143332278-G-T. GRCh37 (hg19) VCF-style: chr7-143029371-G-T.
Identifiers: ClinVar variation 679910 (VCV000679910.5), dbSNP rs2367941, ClinGen allele CA12690476.